The following is an entry in ClinVar:

NM_001363711.2(DUOX2):c.4479C>G (p.Pro1493=)

Gene: DUOX2 (dual oxidase 2; minus strand). Cytogenetic location: 15q21.1.
Variant type: single nucleotide variant.
Coding change: c.4479C>G on transcript NM_001363711.2 (MANE Select); coding-DNA position 4479, C replaced by G.
Protein change: p.Pro1493=; no amino-acid change (proline 1493 retained).
Molecular consequence: synonymous variant.
Genome position (GRCh38, 1-based): chr15:45,094,608, G>C on the plus strand (C>G on the coding strand, the complement: DUOX2 is on the minus strand). VCF-style: chr15-45094608-G-C. GRCh37 (hg19) VCF-style: chr15-45386806-G-C.
Other names: p.Pro1493=; c.4479C>G, p.Pro1493= (NM_014080.5).
Identifiers: ClinVar variation 260327 (VCV000260327.20), dbSNP rs56323146, ClinGen allele CA7537500.

ClinVar aggregate classification (germline): Benign/Likely benign. Review status: criteria provided, multiple submitters, no conflicts (2 of 4 stars). 8 submissions from 8 submitters: Benign (7); Likely benign (1). Last evaluated 2026-05-09.

Conditions:
Thyroid dyshormonogenesis 6 (TDH6). Also called: HYPOTHYROIDISM, CONGENITAL, DUE TO DYSHORMONOGENESIS, 6; Genetic transient congenital hypothyroidism; THYROID HORMONOGENESIS, GENETIC DEFECT IN, 6. Identifiers: Orphanet 226316, Orphanet 95716, MedGen C1846632, MONDO:0011792, OMIM 607200.

Allele frequency attached by ClinVar (database versions not stated): gnomAD exomes 0.06534; ExAC 0.06835; 1000 Genomes Project 0.07049; 1000 Genomes Project 30x 0.07339; gnomAD 0.08130 and 0.08342; TOPMed 0.08153; ESP Exome Variant Server 0.08428.
gnomAD v4.1: 111,886 of 1,613,836 alleles (6.9%); highest among the groups gnomAD compares: African/African-American, 12%; 4,205 homozygotes.

Submissions (8):

Women's Health and Genetics/Laboratory Corporation of America, LabCorp
Classification: Benign. Last evaluated: 2026-05-09. Review status: criteria provided, single submitter. Criteria: LabCorp Variant Classification Summary - May 2015. Collection method: clinical testing. Allele origin: germline.

Labcorp Genetics (formerly Invitae), Labcorp
Classification: Benign. Last evaluated: 2026-02-03. Review status: criteria provided, single submitter. Criteria: Invitae Variant Classification Sherloc (09022015). Collection method: clinical testing. Allele origin: germline.

Blueprint Genetics
Classification: Likely benign. Last evaluated: 2024-11-27. Review status: criteria provided, single submitter. Criteria: ACMG Guidelines, 2015. Collection method: clinical testing. Allele origin: germline.

Mayo Clinic Laboratories, Mayo Clinic
Classification: Benign. Last evaluated: 2022-09-06. Review status: criteria provided, single submitter. Criteria: ACMG Guidelines, 2015. Collection method: clinical testing. Allele origin: germline. Observed: 9 variant alleles.

GeneDx
Classification: Benign. Last evaluated: 2018-07-05. Review status: criteria provided, single submitter. Criteria: GeneDx Variant Classification Process June 2021. Collection method: clinical testing. Allele origin: germline. Affected: yes.

Illumina Laboratory Services, Illumina
Classification: Benign for Thyroid dyshormonogenesis 6. Last evaluated: 2018-01-13. Review status: criteria provided, single submitter. Criteria: ICSL Variant Classification Criteria 13 December 2019. Collection method: clinical testing. Allele origin: germline.
Comment: This variant was observed in the ICSL laboratory as part of a predisposition screen in an ostensibly healthy population. It had not been previously curated by ICSL or reported in the Human Gene Mutation Database (HGMD: prior to June 1st, 2018), and was therefore a candidate for classification through an automated scoring system. Utilizing variant allele frequency, disease prevalence and penetrance estimates, and inheritance mode, an automated score was calculated to assess if this variant is too frequent to cause the disease. Based on the score and internal cut-off values, a variant classified as benign is not then subjected to further curation. The score for this variant resulted in a classification of benign for this disease.

Breakthrough Genomics
Classification: Benign. Review status: criteria provided, single submitter. Criteria: ACMG Guidelines, 2015. Collection method: not provided. Allele origin: germline. Inheritance: Autosomal recessive inheritance. Affected: yes.

PreventionGenetics, part of Exact Sciences
Classification: Benign. Review status: criteria provided, single submitter. Criteria: ACMG Guidelines, 2015. Collection method: clinical testing. Allele origin: germline.